The following is an entry in ClinVar:

NM_000059.4(BRCA2):c.2672dup (p.Phe892fs)

Gene: BRCA2 (BRCA2 DNA repair associated; plus strand). Cytogenetic location: 13q13.1.
Variant type: Duplication.
Coding change: c.2672dup on transcript NM_000059.4 (MANE Select); coding-DNA position 2672, one base duplicated (T; older notation c.2672dupT).
Protein change: p.Phe892fs; shifts the reading frame from phenylalanine 892.
Molecular consequence: frameshift variant.
Genome position (GRCh38, 1-based): chr13:32,337,027, T duplicated. VCF-style (leftmost placement, unchanged base first): chr13-32337026-G-GT. GRCh37 (hg19) VCF-style: chr13-32911163-G-GT.
Other names: short protein forms F892fs.
Identifiers: ClinVar variation 919086 (VCV000919086.12), dbSNP rs2072462600, ClinGen allele CA1139663119.

ClinVar aggregate classification (germline): Pathogenic/Likely pathogenic. Review status: criteria provided, multiple submitters, no conflicts (2 of 4 stars). 3 submissions from 3 submitters: Pathogenic (2); Likely pathogenic (1). Last evaluated 2024-12-23.

Conditions:
Hereditary breast ovarian cancer syndrome. Also called: BRCA1- and BRCA2-Associated Hereditary Breast and Ovarian Cancer; Hereditary breast and ovarian cancer syndrome; Hereditary breast and ovarian cancer; Hereditary breast and ovarian cancer syndrome (HBOC); Breast and ovarian cancer; Hereditary breast and/or ovarian cancer syndrome. Identifiers: Orphanet 145, MedGen C0677776, MeSH D061325, MONDO:0003582. Disease mechanism: loss of function.
Hereditary cancer-predisposing syndrome. Also called: Neoplastic Syndromes, Hereditary; Tumor predisposition; Hereditary Cancer Syndrome; Hereditary neoplastic syndrome. Identifiers: Orphanet 140162, MedGen C0027672, MeSH D009386, MONDO:0015356.

Submissions (3):

Labcorp Genetics (formerly Invitae), Labcorp
Classification: Pathogenic for Hereditary breast ovarian cancer syndrome. Last evaluated: 2024-12-23. Review status: criteria provided, single submitter. Criteria: Invitae Variant Classification Sherloc (09022015). Collection method: clinical testing. Allele origin: germline.
Comment: This sequence change creates a premature translational stop signal (p.Phe892Leufs*5) in the BRCA2 gene. It is expected to result in an absent or disrupted protein product. Loss-of-function variants in BRCA2 are known to be pathogenic (PMID: 20104584). This variant is not present in population databases (gnomAD no frequency). This premature translational stop signal has been observed in individual(s) with breast cancer (PMID: 29371908). ClinVar contains an entry for this variant (Variation ID: 919086). For these reasons, this variant has been classified as Pathogenic.

Color Diagnostics, LLC DBA Color Health
Classification: Pathogenic for Hereditary cancer-predisposing syndrome. Last evaluated: 2021-01-04. Review status: criteria provided, single submitter. Criteria: ACMG Guidelines, 2015. Collection method: clinical testing. Allele origin: germline.
Comment: This variant inserts 1 nucleotide in exon 11 of the BRCA2 gene, creating a frameshift and premature translation stop signal. This variant is expected to result in an absent or non-functional protein product. To our knowledge, this variant has not been reported in individuals affected with hereditary cancer in the literature. This variant has not been identified in the general population by the Genome Aggregation Database (gnomAD). Loss of BRCA2 function is a known mechanism of disease. Based on the available evidence, this variant is classified as Pathogenic.

Pittsburgh Clinical Genomics Laboratory, University of Pittsburgh Medical Center
Classification: Likely pathogenic for Hereditary Breast and Ovarian Cancer Syndrome. Last evaluated: 2018-12-20. Review status: criteria provided, single submitter. Criteria: ACMG Guidelines, 2015. Collection method: clinical testing. Allele origin: germline. Affected: yes. Observed: 1 variant allele.
Comment: This sequence variant is a single nucleotide duplication in exon 11/28 of the BRCA2 gene that results in a frameshifted product with an early termination codon 5 amino acids downstream of the duplication at Phe892. This variant is predicted to generate a non-functional allele through either the expression of a truncated protein or a loss of BRCA2 expression due to nonsense-mediated decay. This variant is absent from the control population database gnomAD (0/232918 alleles). The variant has been observed and reported in a published research study as a pathogenic familial breast cancer variant (PMID: 29371908). Based upon the evidence, we consider this variant to be likely pathogenic.

Literature cited by the submitters: PubMed 20104584 (cited by Labcorp Genetics (formerly Invitae), Labcorp); PubMed 29371908 (cited by Labcorp Genetics (formerly Invitae), Labcorp and Pittsburgh Clinical Genomics Laboratory, University of Pittsburgh Medical Center).